The following is an entry in ClinVar:

NM_004415.4(DSP):c.1582C>T (p.Gln528Ter)

Gene: DSP (desmoplakin; plus strand). Cytogenetic location: 6p24.3.
Variant type: single nucleotide variant.
Coding change: c.1582C>T on transcript NM_004415.4 (MANE Select); coding-DNA position 1582, C replaced by T.
Protein change: p.Gln528Ter; replaces glutamine 528 with a stop codon.
Molecular consequence: nonsense.
Genome position (GRCh38, 1-based): chr6:7,570,444, C>T. VCF-style: chr6-7570444-C-T. GRCh37 (hg19) VCF-style: chr6-7570677-C-T.
Other names: c.1582C>T, p.Gln528Ter (NM_001008844.3, NM_001319034.2); c.1582C>T (NM_004415.3, LRG_423t1); short protein forms Q528*.
Identifiers: ClinVar variation 579308 (VCV000579308.13), dbSNP rs1267435790, ClinGen allele CA362677994.

ClinVar aggregate classification (germline): Pathogenic/Likely pathogenic. Review status: criteria provided, multiple submitters, no conflicts (2 of 4 stars). 4 submissions from 4 submitters: Pathogenic (3); Likely pathogenic (1). Last evaluated 2026-08-11.

Conditions:
Arrhythmogenic cardiomyopathy with wooly hair and keratoderma. Also called: Dilated cardiomyopathy with woolly hair and keratoderma; Arrhythmogenic cardiomyopathy with woolly hair and keratoderma; PALMOPLANTAR KERATODERMA WITH LEFT VENTRICULAR CARDIOMYOPATHY AND WOOLLY HAIR; Carvajal syndrome. Identifiers: Orphanet 65282, MedGen C1854063, MONDO:0011581, OMIM 605676.
Arrhythmogenic right ventricular dysplasia 8 (ARVD8). Also called: Arrhythmogenic Right Ventricular Dysplasia/Cardiomyopathy 8; ARRHYTHMOGENIC RIGHT VENTRICULAR DYSPLASIA, FAMILIAL, 8; ARRHYTHMOGENIC RIGHT VENTRICULAR CARDIOMYOPATHY 8. Identifiers: MedGen C1843896, MONDO:0011831, OMIM 607450.
DSP-related disorder. Also called: DSP-related condition; DSP-related disorders.
Cardiovascular phenotype. Identifiers: MedGen CN230736.

Allele frequency attached by ClinVar (database versions not stated): gnomAD 0.00001.
gnomAD v4.1: 3 of 1,614,050 alleles (0.00019%); highest among the groups gnomAD compares: African/African-American, 0.004%; no homozygotes.

Submissions (4):

PreventionGenetics, part of Exact Sciences
Classification: Pathogenic for DSP-related condition. Last evaluated: 2026-08-11. Review status: criteria provided, single submitter. Criteria: ACMG Guidelines, 2015. Collection method: clinical testing. Allele origin: germline.
Comment: The DSP c.1582C>T variant is predicted to result in premature protein termination (p.Gln528*). This variant has been reported in an individual with arrhythmogenic right ventricular cardiomyopathy (Table S1, Gasperetti et al. 2024. PubMed ID: 38938828). This variant has not been reported in a large population database (gnomAD), indicating this variant is rare. Nonsense variants in DSP are expected to be pathogenic. This variant is interpreted as pathogenic.

Labcorp Genetics (formerly Invitae), Labcorp
Classification: Pathogenic for Arrhythmogenic cardiomyopathy with wooly hair and keratoderma; Arrhythmogenic right ventricular dysplasia 8. Last evaluated: 2025-11-25. Review status: criteria provided, single submitter. Criteria: Invitae Variant Classification Sherloc (09022015). Collection method: clinical testing. Allele origin: germline.
Comment: This sequence change creates a premature translational stop signal (p.Gln528*) in the DSP gene. It is expected to result in an absent or disrupted protein product. Loss-of-function variants in DSP are known to be pathogenic (PMID: 20716751, 24503780, 25227139, 30398466). This variant is not present in population databases (gnomAD no frequency). This variant has not been reported in the literature in individuals affected with DSP-related conditions. ClinVar contains an entry for this variant (Variation ID: 579308). For these reasons, this variant has been classified as Pathogenic.

Ambry Genetics
Classification: Pathogenic for Cardiovascular phenotype. Last evaluated: 2024-09-11. Review status: criteria provided, single submitter. Criteria: Ambry Variant Classification Scheme 2023. Collection method: clinical testing. Allele origin: germline.
Comment: The p.Q528* pathogenic mutation (also known as c.1582C>T), located in coding exon 13 of the DSP gene, results from a C to T substitution at nucleotide position 1582. This changes the amino acid from a glutamine to a stop codon within coding exon 13. Alterations in DSP that result in haploinsufficiency or protein truncation have been reported in patients with arrhythmogenic right ventricular cardiomyopathy (ARVC) and dilated cardiomyopathy (DCM) (Fressart V et al. Europace. 2010;12(6):861-8; Elliott P et al. Circ Cardiovasc Genet. 2010;3(4):314-22; Quarta G et al. Circulation. 2011;123(23):2701-9; Garcia-Pavia P et al. Heart. 2011;97(21):1744-52; Rasmussen TB et al. Clin Genet. 2013;84(1):20-30; Pugh TJ et al. Genet Med. 2014;16(8):601-8). This variant was reported in an individual with features consistent with arrhythmogenic right ventricular cardiomyopathy (Gasperetti A et al. JACC Adv, 2024 Mar;3:100832). This variant is considered to be rare based on population cohorts in the Genome Aggregation Database (gnomAD). In addition to the clinical data presented in the literature, this alteration is expected to result in loss of function by premature protein truncation or nonsense-mediated mRNA decay. As such, this alteration is interpreted as a disease-causing mutation.

Blueprint Genetics
Classification: Likely pathogenic for DSP-related disorders. Last evaluated: 2024-02-15. Review status: criteria provided, single submitter. Criteria: ACMG Guidelines, 2015. Collection method: clinical testing. Allele origin: germline. Affected: yes. Observed: 1 variant allele.

Literature cited by the submitters: PubMed 20716751 (cited by Labcorp Genetics (formerly Invitae), Labcorp); PubMed 24503780 (cited by Labcorp Genetics (formerly Invitae), Labcorp); PubMed 25227139 (cited by Labcorp Genetics (formerly Invitae), Labcorp); PubMed 30398466 (cited by Labcorp Genetics (formerly Invitae), Labcorp); PubMed 38938828 (cited by Ambry Genetics).